The following is an entry in ClinVar:

ClinVar aggregate classification (germline): Uncertain significance. Review status: criteria provided, multiple submitters, no conflicts (2 of 4 stars). 3 submissions from 3 submitters: Uncertain significance (3). Last evaluated 2025-04-03.

Conditions:
Heterotopia, periventricular, X-linked dominant (PVNH1). Also called: PERIVENTRICULAR NODULAR HETEROTOPIA 1; PERIVENTRICULAR NODULAR HETEROTOPIA 4; HETEROTOPIA, PERIVENTRICULAR, 1; X-linked periventricular heterotopia. Identifiers: Orphanet 2149, Orphanet 82004, MedGen C1848213, MONDO:0010233, OMIM 300049.
Melnick-Needles syndrome (MNS). Also called: Melnick-Needles Syndrome (FLNA-MNS); MELNICK-NEEDLES OSTEODYSPLASTY; OSTEODYSPLASTY OF MELNICK AND NEEDLES. Identifiers: Orphanet 2484, MedGen C0025237, MONDO:0010650, OMIM 309350.
Oto-palato-digital syndrome, type II (OPD2). Also called: Otopalatodigital Syndrome Type 2 (FLNA-OPD2); FACIOPALATOOSSEOUS SYNDROME; OPD II SYNDROME; Otopalatodigital Syndrome, Type II. Identifiers: Orphanet 669, Orphanet 90652, MedGen C1844696, MONDO:0010571, OMIM 304120.
Frontometaphyseal dysplasia (FMD1). Identifiers: Orphanet 1826, MedGen C0265293, MONDO:0015942.
Familial thoracic aortic aneurysm and aortic dissection (TAAD). Also called: Thoracic aortic aneurysms and dissections. Identifiers: Orphanet 91387, MedGen C4707243, MONDO:0019625.

Allele frequency attached by ClinVar (database versions not stated): TOPMed below 0.00001.

Submissions (3):

GeneDx
Classification: Uncertain significance. Last evaluated: 2025-04-03. Review status: criteria provided, single submitter. Criteria: GeneDx Variant Classification Process June 2021. Collection method: clinical testing. Allele origin: germline. Affected: yes.
Comment: In silico analysis supports that this missense variant has a deleterious effect on protein structure/function; Has not been previously published as pathogenic or benign to our knowledge

Ambry Genetics
Classification: Uncertain significance for Familial thoracic aortic aneurysm and aortic dissection. Last evaluated: 2024-02-23. Review status: criteria provided, single submitter. Criteria: Ambry Variant Classification Scheme 2023. Collection method: clinical testing. Allele origin: germline.
Comment: The p.G978D variant (also known as c.2933G>A), located in coding exon 19 of the FLNA gene, results from a G to A substitution at nucleotide position 2933. The glycine at codon 978 is replaced by aspartic acid, an amino acid with similar properties. This amino acid position is highly conserved in available vertebrate species. In addition, the in silico prediction for this alteration is inconclusive. Based on the available evidence, the clinical significance of this alteration remains unclear.

Labcorp Genetics (formerly Invitae), Labcorp
Classification: Uncertain significance for Oto-palato-digital syndrome, type II; Heterotopia, periventricular, X-linked dominant; Frontometaphyseal dysplasia; Melnick-Needles syndrome. Last evaluated: 2023-06-10. Review status: criteria provided, single submitter. Criteria: Invitae Variant Classification Sherloc (09022015). Collection method: clinical testing. Allele origin: germline.
Comment: This sequence change replaces glycine, which is neutral and non-polar, with aspartic acid, which is acidic and polar, at codon 978 of the FLNA protein (p.Gly978Asp). This variant is not present in population databases (gnomAD no frequency). In summary, the available evidence is currently insufficient to determine the role of this variant in disease. Therefore, it has been classified as a Variant of Uncertain Significance. Advanced modeling of protein sequence and biophysical properties (such as structural, functional, and spatial information, amino acid conservation, physicochemical variation, residue mobility, and thermodynamic stability) performed at Invitae indicates that this missense variant is not expected to disrupt FLNA protein function. ClinVar contains an entry for this variant (Variation ID: 1948604). This variant has not been reported in the literature in individuals affected with FLNA-related conditions.

NM_001110556.2(FLNA):c.2933G>A (p.Gly978Asp)

Gene: FLNA (filamin A; minus strand). Cytogenetic location: Xq28.
Variant type: single nucleotide variant.
Coding change: c.2933G>A on transcript NM_001110556.2 (MANE Select); coding-DNA position 2933, G replaced by A.
Protein change: p.Gly978Asp; replaces glycine 978 with aspartic acid.
Molecular consequence: missense variant.
Genome position (GRCh38, 1-based): chrX:154,361,681, C>T on the plus strand (G>A on the coding strand, the complement: FLNA is on the minus strand). VCF-style: chrX-154361681-C-T. GRCh37 (hg19) VCF-style: chrX-153590049-C-T.
Other names: c.2933G>A, p.Gly978Asp (NM_001456.4); c.2933G>A (NM_001456.3); short protein forms G978D.
Identifiers: ClinVar variation 1948604 (VCV001948604.7), dbSNP rs2067712547, ClinGen allele CA415231344.
Genomic context (GRCh38, chrX:154,361,681, plus strand): 5'-ATCCCTGGATGTGACAAAGGCCTTTGCGACAAGGGCCCCAACTACTTACTCTCTCCCAGG[C>T]CAGACACCTTGATCTTGCTGAGGTCCAGGCTTGGAGATACTGCCACTGAGAAAGGGCTCT-3'
Protein context (NP_001104026.1, residues 968-988): SLDLSKIKVS[Gly978Asp]LGEKVDVGKD